The following is an entry in ClinVar:

ClinVar aggregate classification (germline): Likely benign. Review status: criteria provided, multiple submitters, no conflicts (2 of 4 stars). 3 submissions from 3 submitters: Likely benign (2). 1 of the submissions does not count toward it. Last evaluated 2024-11-19.

Conditions:
SIX5-related disorder. Also called: SIX5-related condition.

Allele frequency attached by ClinVar (database versions not stated): TOPMed 0.00002; gnomAD 0.00003; ExAC 0.00007; 1000 Genomes Project 0.00020; 1000 Genomes Project 30x 0.00031.
gnomAD v4.1: 53 of 1,609,154 alleles (0.0033%); highest among the groups gnomAD compares: Non-Finnish European, 0.0043%; no homozygotes.

Submissions (3):

Blueprint Genetics
Classification: Likely benign. Last evaluated: 2024-11-19. Review status: criteria provided, single submitter. Criteria: ACMG Guidelines, 2015. Collection method: clinical testing. Allele origin: germline.

Labcorp Genetics (formerly Invitae), Labcorp
Classification: Likely benign. Last evaluated: 2023-03-09. Review status: criteria provided, single submitter. Criteria: Invitae Variant Classification Sherloc (09022015). Collection method: clinical testing. Allele origin: germline.

PreventionGenetics, part of Exact Sciences
Classification: Likely benign for SIX5-related condition. Last evaluated: 2019-06-03. Review status: no assertion criteria provided. Collection method: clinical testing. Allele origin: germline. Not counted in ClinVar's aggregate classification.
Comment: This variant is classified as likely benign based on ACMG/AMP sequence variant interpretation guidelines (Richards et al. 2015 PMID: 25741868, with internal and published modifications).

NM_175875.5(SIX5):c.900C>G (p.Ala300=)

Genes: SIX5 (SIX homeobox 5; minus strand), LOC107075317 (origin of replication in DMPK trinucleotide repeat region; plus strand). Cytogenetic location: 19q13.32.
Variant type: single nucleotide variant.
Coding change: c.900C>G on transcript NM_175875.5 (MANE Select); coding-DNA position 900, C replaced by G.
Protein change: p.Ala300=; no amino-acid change (alanine 300 retained).
Molecular consequence: synonymous variant.
Genome position (GRCh38, 1-based): chr19:45,767,059, G>C on the plus strand (C>G on the coding strand, the complement: SIX5 is on the minus strand). VCF-style: chr19-45767059-G-C. GRCh37 (hg19) VCF-style: chr19-46270317-G-C.
Other names: c.900C>G (NM_175875.4).
Identifiers: ClinVar variation 2899916 (VCV002899916.6), dbSNP rs147444497, ClinGen allele CA9520734.
Genomic context (GRCh38, chr19:45,767,059, plus strand): 5'-GGAGGAGGAAGCCGGGCAAGGCGCGGGAGGGCCGGTCCCTGCCAGGAATATGGAGCCCTG[G>C]GCAGCGGCCTCGGCGGACACTGGGGCCGCCCCTCTCTCCAGGTCCTCAGGACTTCGGCTG-3'
Protein context (NP_787071.3, residues 290-310): GAAPVSAEAA[Ala300=]QGSIFLAGTG